The following is an entry in ClinVar:

ClinVar aggregate classification (germline): Benign. Review status: reviewed by expert panel (3 of 4 stars). 7 submissions from 6 submitters: Benign (1). 6 of the submissions do not count toward it. Last evaluated 2019-07-26.

Conditions:
Acute myeloid leukemia (AML). Also called: Leukemia, acute myeloid, somatic; Leukemia, acute myelogenous, somatic; Acute myeloid leukemia, adult; AML adult; Acute non-lymphocytic leukemia; Acute granulocytic leukemia. Identifiers: Orphanet 519, MedGen C0023467, MeSH D015470, MONDO:0018874, OMIM 601626, HP:0004808. Disease mechanism: Constitutively activated FLT3.
Hereditary thrombocytopenia and hematological cancer predisposition syndrome associated with RUNX1. Also called: PLATELET DISORDER, ASPIRIN-LIKE; Familial thrombocytopenia with propensity to acute myelogenous leukemia; RUNX1 Familial Platelet Disorder with Associated Myeloid Malignancies; Familial Platelet Disorder with Propensity to Acute Myelogenous Leukemia. Identifiers: Orphanet 71290, MedGen C1832388, MeSH C563324, MONDO:0100083, OMIM 601399.

Allele frequency attached by ClinVar (database versions not stated): ExAC 1.00000; gnomAD exomes 1.00000 and 0.99944; gnomAD 0.99999; 1000 Genomes Project 1.00000; 1000 Genomes Project 30x 1.00000.
gnomAD v4.1: 1,126,805 of 1,127,350 alleles (100%); highest among the groups gnomAD compares: Admixed American, 100%; 563,131 homozygotes.

Submissions (7):

ClinGen Myeloid Malignancy Variant Curation Expert Panel
Classification: Benign for Familial platelet disorder with associated myeloid malignancy. Last evaluated: 2019-07-26. Review status: reviewed by expert panel. Criteria: ClinGen MyeloMalig ACMG Specifications v1. Collection method: curation. Allele origin: germline. Inheritance: Autosomal dominant inheritance.
Comment: The NM_001754.4:c.614-34C>T variant has a MAF of 1 (100%) in gnomAD cohort that is >/= 0.0015 (0.15%) (BA1). This variant is detected in homozygous state in gnomAD population database (BP2). This intronic variant is predicted by SSF and MES to lead to either an increase in the canonical splice site score or a decrease of the canonical splice site score by no more than 10% and no putative cryptic splice sites are created (BP4). In summary, this variant meets criteria to be classified as benign. ACMG/AMP criteria applied, ACMG/AMP criteria applied, as specified by the ClinGen Myeloid Malignancy Variant Curation Expert Panel for RUNX1: BA1, BP2, BP4.

KCCC/NGS Laboratory, Kuwait Cancer Control Center
Classification: Benign for Hereditary thrombocytopenia and hematological cancer predisposition syndrome associated with RUNX1. Last evaluated: 2025-02-01. Review status: criteria provided, single submitter. Criteria: ACMG Guidelines, 2015. Collection method: clinical testing. Allele origin: germline. Affected: no. Not counted in ClinVar's aggregate classification.

KCCC/NGS Laboratory, Kuwait Cancer Control Center
Classification: Benign for Acute myeloid leukemia. Last evaluated: 2023-07-07. Review status: criteria provided, single submitter. Criteria: ACMG Guidelines, 2015. Collection method: clinical testing. Allele origin: germline. Affected: yes. Not counted in ClinVar's aggregate classification.

Genome-Nilou Lab
Classification: Benign for Hereditary thrombocytopenia and hematological cancer predisposition syndrome associated with RUNX1. Last evaluated: 2021-11-07. Review status: criteria provided, single submitter. Criteria: ACMG Guidelines, 2015. Collection method: clinical testing. Allele origin: germline. Affected: no. Not counted in ClinVar's aggregate classification.

GeneDx
Classification: Benign. Last evaluated: 2018-06-22. Review status: criteria provided, single submitter. Criteria: GeneDx Variant Classification Process June 2021. Collection method: clinical testing. Allele origin: germline. Affected: yes. Not counted in ClinVar's aggregate classification.

PreventionGenetics, part of Exact Sciences
Classification: Benign. Last evaluated: 2014-01-03. Review status: criteria provided, single submitter. Criteria: ACMG Guidelines, 2015. Collection method: clinical testing. Allele origin: germline. Not counted in ClinVar's aggregate classification.

Breakthrough Genomics
Classification: Benign. Review status: criteria provided, single submitter. Criteria: ACMG Guidelines, 2015. Collection method: not provided. Allele origin: germline. Inheritance: Autosomal dominant inheritance. Affected: yes. Not counted in ClinVar's aggregate classification.

NM_001754.5(RUNX1):c.614-34C>T

Gene: RUNX1 (RUNX family transcription factor 1; minus strand). Cytogenetic location: 21q22.12.
Variant type: single nucleotide variant.
Coding change: c.614-34C>T on transcript NM_001754.5 (MANE Select); 34 bases into the intron before coding-DNA position 614, C replaced by T.
Molecular consequence: intron variant.
Genome position (GRCh38, 1-based): chr21:34,834,635, G>A on the plus strand (C>T on the coding strand, the complement: RUNX1 is on the minus strand). VCF-style: chr21-34834635-G-A. GRCh37 (hg19) VCF-style: chr21-36206932-G-A.
Other names: c.533-34C>T (NM_001001890.3, NM_001122607.2).
Identifiers: ClinVar variation 258186 (VCV000258186.11), dbSNP rs11702841, ClinGen allele CA10014405.